The following is an entry in ClinVar:

NM_020771.4(HACE1):c.1225G>T (p.Glu409Ter)

Gene: HACE1 (HECT domain and ankyrin repeat containing E3 ubiquitin protein ligase 1; minus strand). Cytogenetic location: 6q16.3.
Variant type: single nucleotide variant.
Coding change: c.1225G>T on transcript NM_020771.4 (MANE Select); coding-DNA position 1225, G replaced by T.
Protein change: p.Glu409Ter; replaces glutamic acid 409 with a stop codon.
Molecular consequence: nonsense. On other transcripts: non-coding transcript variant (7).
Genome position (GRCh38, 1-based): chr6:104,785,169, C>A on the plus strand (G>T on the coding strand, the complement: HACE1 is on the minus strand). VCF-style: chr6-104785169-C-A. GRCh37 (hg19) VCF-style: chr6-105233044-C-A.
Other names: c.1093G>T, p.Glu365Ter (NM_001321080.2); c.1123G>T, p.Glu375Ter (NM_001321083.2); c.721G>T, p.Glu241Ter (NM_001321084.2, NM_001350557.2, NM_001350558.2); c.991G>T, p.Glu331Ter (NM_001350554.2); c.934G>T, p.Glu312Ter (NM_001350555.2); c.739G>T, p.Glu247Ter (NM_001350556.2); c.643G>T, p.Glu215Ter (NM_001350559.2); c.442G>T, p.Glu148Ter (NM_001350560.2); short protein forms E148*, E215*, E241*, E247*, E312*, E331*, E365*, E375*.
Identifiers: ClinVar variation 3775928 (VCV003775928.1).

ClinVar aggregate classification (germline): Pathogenic (1 of 4 stars; one submission).

Conditions:
Spastic paraplegia-severe developmental delay-epilepsy syndrome. Also called: Spastic paraplegia and psychomotor retardation with or without seizures. Identifiers: Orphanet 464282, MedGen C4225215, MONDO:0014764, OMIM 616756.

Submission:

3billion
Classification: Pathogenic for Spastic paraplegia-severe developmental delay-epilepsy syndrome. Last evaluated: 2024-03-07. Review status: criteria provided, single submitter. Criteria: ACMG Guidelines, 2015. Collection method: clinical testing. Allele origin: germline. Affected: yes.
Comment: The variant is not observed in the gnomAD v2.1.1 dataset. Predicted Consequence/Location: Stop-gained (nonsense): predicted to result in a loss or disruption of normal protein function through nonsense-mediated decay (NMD) or protein truncation. Multiple pathogenic variants are reported downstream of the variant. Therefore, this variant is classified as Pathogenic according to the recommendation of ACMG/AMP guideline.